The following is an entry in ClinVar:

NM_001903.5(CTNNA1):c.2401C>T (p.Gln801Ter)

Gene: CTNNA1 (catenin alpha 1; plus strand). Cytogenetic location: 5q31.2.
Variant type: single nucleotide variant.
Coding change: c.2401C>T on transcript NM_001903.5 (MANE Select); coding-DNA position 2401, C replaced by T.
Protein change: p.Gln801Ter; replaces glutamine 801 with a stop codon.
Molecular consequence: nonsense. On other transcripts: intron variant (1).
Genome position (GRCh38, 1-based): chr5:138,932,680, C>T. VCF-style: chr5-138932680-C-T. GRCh37 (hg19) VCF-style: chr5-138268369-C-T.
Other names: c.2401C>T, p.Gln801Ter (NM_001290307.3, NM_001323982.2, NM_001323983.1 and 2 more transcripts); c.2092C>T, p.Gln698Ter (NM_001290309.3); c.2032C>T, p.Gln678Ter (NM_001290310.3); c.1291C>T, p.Gln431Ter (NM_001290312.1, NM_001323987.1, NM_001323988.1 and 16 more transcripts); c.2308C>T, p.Gln770Ter (NM_001323986.2); c.952C>T, p.Gln318Ter (NM_001324006.1, NM_001324007.1, NM_001324008.1 and 2 more transcripts); c.1198C>T, p.Gln400Ter (NM_001324011.1); c.1048C>T, p.Gln350Ter (NM_001324012.1, NM_001324013.1); and 1 more; short protein forms Q350*, Q431*, Q678*, Q801*, Q318*, Q400*, Q698*, Q770*.
Identifiers: ClinVar variation 2772273 (VCV002772273.3), dbSNP rs2150349873, ClinGen allele CA361134505.
Genomic context (GRCh38, chr5:138,932,680, plus strand): 5'-CAACGCATCGCCCTCTACTGCCACCAGCTGAACATCTGCAGCAAGGTCAAGGCCGAGGTG[C>T]AGAATCTCGGCGGGGAGCTTGTTGTCTCTGGGGTAAGCATTAGCTGAACAAAAAGAGGGC-3'

ClinVar aggregate classification (germline): Uncertain significance (1 of 4 stars; one submission).

Submission:

Labcorp Genetics (formerly Invitae), Labcorp
Classification: Uncertain significance. Last evaluated: 2023-10-28. Review status: criteria provided, single submitter. Criteria: Invitae Variant Classification Sherloc (09022015). Collection method: clinical testing. Allele origin: germline.
Comment: This sequence change creates a premature translational stop signal (p.Gln801*) in the CTNNA1 gene. While this is not anticipated to result in nonsense mediated decay, it is expected to disrupt the last 106 amino acid(s) of the CTNNA1 protein. This variant is not present in population databases (gnomAD no frequency). This variant has not been reported in the literature in individuals affected with CTNNA1-related conditions. Experimental studies and prediction algorithms are not available or were not evaluated, and the functional significance of this variant is currently unknown. In summary, the available evidence is currently insufficient to determine the role of this variant in disease. Therefore, it has been classified as a Variant of Uncertain Significance.